The following is an entry in ClinVar:

NM_003849.3(SUCLG1):c.-364T>C

Genes: DNAH6 (dynein axonemal heavy chain 6; plus strand), SUCLG1 (succinate-CoA ligase GDP/ADP-forming subunit alpha; minus strand). Cytogenetic location: 2p11.2.
Variant type: single nucleotide variant.
Coding change: c.-364T>C on transcript NM_003849.3; 364 bases upstream of the start codon, T replaced by C.
Genome position (GRCh38, 1-based): chr2:84,459,633, A>G on the plus strand (T>C on the coding strand, the complement: SUCLG1 is on the minus strand). VCF-style: chr2-84459633-A-G. GRCh37 (hg19) VCF-style: chr2-84686757-A-G.
Identifiers: ClinVar variation 669574 (VCV000669574.3), dbSNP rs7561462, ClinGen allele CA11119912.
Genomic context (GRCh38, chr2:84,459,633, plus strand): 5'-TAGCTTTTGAGTGAGGCGGCGGGAAGGGAGCGAGGGAAGAGCGGCAGTGAGACCGGGGAG[A>G]CAAGGGACTTGAAGACTAGGAGGGAAGAAACAGCGAGGTGAGGTGCGAAGAGCAGTGCCA-3'

ClinVar aggregate classification (germline): Benign (1 of 4 stars; one submission).

Allele frequency attached by ClinVar (database versions not stated): gnomAD exomes 0.36983; TOPMed 0.28896; 1000 Genomes Project 30x 0.28076; 1000 Genomes Project 0.28175.
gnomAD v4.1: 78,367 of 236,982 alleles (33%); highest among the groups gnomAD compares: South Asian, 43%; 14,832 homozygotes.

Submission:

GeneDx
Classification: Benign. Last evaluated: 2018-06-14. Review status: criteria provided, single submitter. Criteria: GeneDx Variant Classification (06012015). Collection method: clinical testing. Allele origin: germline. Affected: yes.
Comment: This variant is considered likely benign or benign based on one or more of the following criteria: it is a conservative change, it occurs at a poorly conserved position in the protein, it is predicted to be benign by multiple in silico algorithms, and/or has population frequency not consistent with disease.